The following is an entry in ClinVar:

NM_000414.4(HSD17B4):c.1352A>G (p.Lys451Arg)

Gene: HSD17B4 (hydroxysteroid 17-beta dehydrogenase 4; plus strand). Cytogenetic location: 5q23.1.
Variant type: single nucleotide variant.
Coding change: c.1352A>G on transcript NM_000414.4 (MANE Select); coding-DNA position 1352, A replaced by G.
Protein change: p.Lys451Arg; replaces lysine 451 with arginine.
Molecular consequence: missense variant. On other transcripts: non-coding transcript variant (2).
Genome position (GRCh38, 1-based): chr5:119,509,159, A>G. VCF-style: chr5-119509159-A-G. GRCh37 (hg19) VCF-style: chr5-118844854-A-G.
Other names: c.1427A>G, p.Lys476Arg (NM_001199291.3); c.1298A>G, p.Lys433Arg (NM_001199292.2); c.1280A>G, p.Lys427Arg (NM_001292027.2, NM_001374498.1); c.932A>G, p.Lys311Arg (NM_001292028.2); c.1343A>G, p.Lys448Arg (NM_001374497.1); c.1025A>G, p.Lys342Arg (NM_001374499.1); c.911A>G, p.Lys304Arg (NM_001374500.1); c.941A>G, p.Lys314Arg (NM_001374501.1, NM_001374502.1, NM_001374503.1); short protein forms K304R, K311R, K314R, K342R, K427R, K433R, K448R, K451R.
Identifiers: ClinVar variation 2428104 (VCV002428104.3), dbSNP rs773542757, ClinGen allele CA3382210.

ClinVar aggregate classification (germline): Uncertain significance (1 of 4 stars; one submission).

Conditions:
Perrault syndrome. Also called: Gonadal dysgenesis with auditory dysfunction, autosomal recessive inheritance. Identifiers: Orphanet 2855, MedGen C0685838, MONDO:0017312.
Bifunctional peroxisomal enzyme deficiency (DBIF). Also called: DBP DEFICIENCY; D-bifunctional protein deficiency; PBFE DEFICIENCY. Identifiers: Orphanet 300, MedGen C0342870, MONDO:0009855, OMIM 261515. Disease mechanism: loss of function.

Allele frequency attached by ClinVar (database versions not stated): gnomAD exomes below 0.00001; TOPMed below 0.00001; ExAC 0.00001.
gnomAD v4.1: 2 of 1,585,176 alleles (0.00013%); highest among the groups gnomAD compares: Non-Finnish European, 0.000087%; no homozygotes.

Submission:

Labcorp Genetics (formerly Invitae), Labcorp
Classification: Uncertain significance for Perrault syndrome; Bifunctional peroxisomal enzyme deficiency. Last evaluated: 2022-04-20. Review status: criteria provided, single submitter. Criteria: Invitae Variant Classification Sherloc (09022015). Collection method: clinical testing. Allele origin: germline.
Comment: This sequence change replaces lysine, which is basic and polar, with arginine, which is basic and polar, at codon 451 of the HSD17B4 protein (p.Lys451Arg). This variant is present in population databases (rs773542757, gnomAD 0.002%). This variant has not been reported in the literature in individuals affected with HSD17B4-related conditions. Advanced modeling of protein sequence and biophysical properties (such as structural, functional, and spatial information, amino acid conservation, physicochemical variation, residue mobility, and thermodynamic stability) performed at Invitae indicates that this missense variant is not expected to disrupt HSD17B4 protein function. In summary, the available evidence is currently insufficient to determine the role of this variant in disease. Therefore, it has been classified as a Variant of Uncertain Significance.